The following is an entry in ClinVar:

ClinVar aggregate classification (germline): Uncertain significance (1 of 4 stars; one submission).

Conditions:
Cardiovascular phenotype. Identifiers: MedGen CN230736.

gnomAD v4.1: 5 of 1,613,834 alleles (0.00031%); highest among the groups gnomAD compares: Admixed American, 0.0017%; no homozygotes.

Submission:

Ambry Genetics
Classification: Uncertain significance for Cardiovascular phenotype. Last evaluated: 2020-11-23. Review status: criteria provided, single submitter. Criteria: Ambry Variant Classification Scheme 2023. Collection method: clinical testing. Allele origin: germline.
Comment: The p.P700S variant (also known as c.2098C>T), located in coding exon 15 of the TRPM4 gene, results from a C to T substitution at nucleotide position 2098. The proline at codon 700 is replaced by serine, an amino acid with similar properties. This amino acid position is highly conserved in available vertebrate species. In addition, the in silico prediction for this alteration is inconclusive. Since supporting evidence is limited at this time, the clinical significance of this alteration remains unclear.

NM_017636.4(TRPM4):c.2098C>T (p.Pro700Ser)

Gene: TRPM4 (transient receptor potential cation channel subfamily M member 4; plus strand). Cytogenetic location: 19q13.33.
Variant type: single nucleotide variant.
Coding change: c.2098C>T on transcript NM_017636.4 (MANE Select); coding-DNA position 2098, C replaced by T.
Protein change: p.Pro700Ser; replaces proline 700 with serine.
Molecular consequence: missense variant.
Genome position (GRCh38, 1-based): chr19:49,190,286, C>T. VCF-style: chr19-49190286-C-T. GRCh37 (hg19) VCF-style: chr19-49693543-C-T.
Other names: c.2098C>T, p.Pro700Ser (NM_001195227.2); c.1753C>T, p.Pro585Ser (NM_001321281.2); c.490C>T, p.Pro164Ser (NM_001321282.2); c.1576C>T, p.Pro526Ser (NM_001321283.2); c.1036C>T, p.Pro346Ser (NM_001321285.2); short protein forms P700S, P164S, P346S, P526S, P585S.
Identifiers: ClinVar variation 1785825 (VCV001785825.2), dbSNP rs555253063, ClinGen allele CA406805428.